The following is an entry in ClinVar:

ClinVar aggregate classification (germline): Uncertain significance (1 of 4 stars; one submission).

Submission:

Labcorp Genetics (formerly Invitae), Labcorp
Classification: Uncertain significance. Last evaluated: 2025-03-22. Review status: criteria provided, single submitter. Criteria: Invitae Variant Classification Sherloc (09022015). Collection method: clinical testing. Allele origin: germline.
Comment: This sequence change replaces proline, which is neutral and non-polar, with serine, which is neutral and polar, at codon 1021 of the MYO7A protein (p.Pro1021Ser). This variant is not present in population databases (gnomAD no frequency). This variant has not been reported in the literature in individuals affected with MYO7A-related conditions. Invitae Evidence Modeling of protein sequence and biophysical properties (such as structural, functional, and spatial information, amino acid conservation, physicochemical variation, residue mobility, and thermodynamic stability) indicates that this missense variant is not expected to disrupt MYO7A protein function with a negative predictive value of 95%. In summary, the available evidence is currently insufficient to determine the role of this variant in disease. Therefore, it has been classified as a Variant of Uncertain Significance.

NM_000260.4(MYO7A):c.3061C>T (p.Pro1021Ser)

Gene: MYO7A (myosin VIIA; plus strand). Cytogenetic location: 11q13.5.
Variant type: single nucleotide variant.
Coding change: c.3061C>T on transcript NM_000260.4 (MANE Select); coding-DNA position 3061, C replaced by T.
Protein change: p.Pro1021Ser; replaces proline 1021 with serine.
Molecular consequence: missense variant.
Genome position (GRCh38, 1-based): chr11:77,182,107, C>T. VCF-style: chr11-77182107-C-T. GRCh37 (hg19) VCF-style: chr11-76893153-C-T.
Other names: c.3061C>T, p.Pro1021Ser (NM_001127180.2); c.3028C>T, p.Pro1010Ser (NM_001369365.1); short protein forms P1010S, P1021S.
Identifiers: ClinVar variation 4800480 (VCV004800480.1).
Genomic context (GRCh38, chr11:77,182,107, plus strand): 5'-TTTGCCAAGTTCGCGGCCACCTACTTCCAGGGGACAACCACGCACTCCTACACCCGGCGG[C>T]CACTCAAACAGCCACTGCTCTACCATGACGACGAGGGTGACCAGCTGGTAAGGCCTGCCT-3'
Protein context (NP_000251.3, residues 1011-1031): GTTTHSYTRR[Pro1021Ser]LKQPLLYHDD